The following is an entry in ClinVar:

ClinVar aggregate classification (germline): Likely pathogenic (1 of 4 stars; one submission).

Conditions:
Neurofibromatosis, type 1 (NF1). Also called: NEUROFIBROMATOSIS, TYPE I, SOMATIC; Neurofibromatosis, type I; Peripheral type neurofibromatosis; VON RECKLINGHAUSEN DISEASE. Identifiers: Orphanet 636, MedGen C0027831, MONDO:0018975, OMIM 162200. Disease mechanism: loss of function.

Submission:

Labcorp Genetics (formerly Invitae), Labcorp
Classification: Likely pathogenic for Neurofibromatosis, type 1. Last evaluated: 2022-03-24. Review status: criteria provided, single submitter. Criteria: Invitae Variant Classification Sherloc (09022015). Collection method: clinical testing. Allele origin: germline.
Comment: Advanced modeling of protein sequence and biophysical properties (such as structural, functional, and spatial information, amino acid conservation, physicochemical variation, residue mobility, and thermodynamic stability) performed at Invitae indicates that this missense variant is expected to disrupt NF1 protein function. This variant has not been reported in the literature in individuals affected with NF1-related conditions. This variant is not present in population databases (gnomAD no frequency). This sequence change replaces leucine, which is neutral and non-polar, with methionine, which is neutral and non-polar, at codon 1856 of the NF1 protein (p.Leu1856Met). Algorithms developed to predict the effect of sequence changes on RNA splicing suggest that this variant may disrupt the consensus splice site. In summary, the currently available evidence indicates that the variant is pathogenic, but additional data are needed to prove that conclusively. Therefore, this variant has been classified as Likely Pathogenic. This variant disrupts the p.Leu1856 amino acid residue in NF1. Other variant(s) that disrupt this residue have been determined to be pathogenic (Invitae). This suggests that this residue is clinically significant, and that variants that disrupt this residue are likely to be disease-causing.

NM_001042492.3(NF1):c.5629C>A (p.Leu1877Met)

Gene: NF1 (neurofibromin 1; plus strand). Cytogenetic location: 17q11.2.
Variant type: single nucleotide variant.
Coding change: c.5629C>A on transcript NM_001042492.3 (MANE Select); coding-DNA position 5629, C replaced by A.
Protein change: p.Leu1877Met; replaces leucine 1877 with methionine.
Molecular consequence: missense variant.
Genome position (GRCh38, 1-based): chr17:31,330,315, C>A. VCF-style: chr17-31330315-C-A. GRCh37 (hg19) VCF-style: chr17-29657333-C-A.
Other names: c.5566C>A, p.Leu1856Met (NM_000267.4); short protein forms L1856M, L1877M.
Identifiers: ClinVar variation 2093800 (VCV002093800.4), dbSNP rs2151544428, ClinGen allele CA399010130.